The following is an entry in ClinVar:

ClinVar aggregate classification (germline): Uncertain significance (1 of 4 stars; one submission).

Conditions:
Congenital neutropenia-myelofibrosis-nephromegaly syndrome. Also called: Severe congenital neutropenia 5, autosomal recessive. Identifiers: Orphanet 369852, MedGen C3809031, MONDO:0014118, OMIM 615285.

gnomAD v4.1: 3 of 1,614,084 alleles (0.00019%); highest among the groups gnomAD compares: South Asian, 0.0033%; no homozygotes.

Submission:

Labcorp Genetics (formerly Invitae), Labcorp
Classification: Uncertain significance for Congenital neutropenia-myelofibrosis-nephromegaly syndrome. Last evaluated: 2025-03-27. Review status: criteria provided, single submitter. Criteria: Invitae Variant Classification Sherloc (09022015). Collection method: clinical testing. Allele origin: germline.
Comment: This sequence change replaces valine, which is neutral and non-polar, with leucine, which is neutral and non-polar, at codon 426 of the VPS45 protein (p.Val426Leu). This variant is present in population databases (no rsID available, gnomAD 0.003%). This variant has not been reported in the literature in individuals affected with VPS45-related conditions. Invitae Evidence Modeling of protein sequence and biophysical properties (such as structural, functional, and spatial information, amino acid conservation, physicochemical variation, residue mobility, and thermodynamic stability) indicates that this missense variant is not expected to disrupt VPS45 protein function with a negative predictive value of 80%. In summary, the available evidence is currently insufficient to determine the role of this variant in disease. Therefore, it has been classified as a Variant of Uncertain Significance.

NM_007259.5(VPS45):c.1276G>C (p.Val426Leu)

Gene: VPS45 (vacuolar protein sorting 45 homolog; plus strand). Cytogenetic location: 1q21.2.
Variant type: single nucleotide variant.
Coding change: c.1276G>C on transcript NM_007259.5 (MANE Select); coding-DNA position 1276, G replaced by C.
Protein change: p.Val426Leu; replaces valine 426 with leucine.
Molecular consequence: missense variant. On other transcripts: non-coding transcript variant (1).
Genome position (GRCh38, 1-based): chr1:150,092,314, G>C. VCF-style: chr1-150092314-G-C. GRCh37 (hg19) VCF-style: chr1-150064408-G-C.
Other names: c.961G>C, p.Val321Leu (NM_001279353.2); c.1168G>C, p.Val390Leu (NM_001279354.2); short protein forms V321L, V426L, V390L.
Identifiers: ClinVar variation 4702977 (VCV004702977.1).